The following is an entry in ClinVar:

ClinVar aggregate classification (germline): Conflicting classifications of pathogenicity. Review status: criteria provided, conflicting classifications (1 of 4 stars). 2 submissions from 2 submitters: Pathogenic (1); Uncertain significance (1). Last evaluated 2024-02-24.

Submissions (2):

Labcorp Genetics (formerly Invitae), Labcorp
Classification: Pathogenic. Last evaluated: 2024-02-24. Review status: criteria provided, single submitter. Criteria: Invitae Variant Classification Sherloc (09022015). Collection method: clinical testing. Allele origin: germline.
Comment: This variant, c.1874_1912del, results in the deletion of 13 amino acid(s) of the ABCA4 protein (p.Gln625_Met637del), but otherwise preserves the integrity of the reading frame. This variant is not present in population databases (gnomAD no frequency). This variant has not been reported in the literature in individuals affected with ABCA4-related conditions. ClinVar contains an entry for this variant (Variation ID: 1913450). This variant disrupts a region of the ABCA4 protein in which other variant(s) (p.Gln636His) have been determined to be pathogenic (PMID: 9781034, 19217903, 24677105, 28327576). This suggests that this is a clinically significant region of the protein, and that variants that disrupt it are likely to be disease-causing. For these reasons, this variant has been classified as Pathogenic.

Blueprint Genetics
Classification: Uncertain significance. Last evaluated: 2021-05-21. Review status: criteria provided, single submitter. Criteria: ACMG Guidelines, 2015. Collection method: clinical testing. Allele origin: germline.

Literature cited by the submitters: PubMed 9781034 (cited by Labcorp Genetics (formerly Invitae), Labcorp); PubMed 19217903 (cited by Labcorp Genetics (formerly Invitae), Labcorp); PubMed 24677105 (cited by Labcorp Genetics (formerly Invitae), Labcorp); PubMed 28327576 (cited by Labcorp Genetics (formerly Invitae), Labcorp).

NM_000350.3(ABCA4):c.1874_1912del (p.Gln625_Met637del)

Gene: ABCA4 (ATP binding cassette subfamily A member 4; minus strand). Cytogenetic location: 1p22.1.
Variant type: Deletion.
Coding change: c.1874_1912del on transcript NM_000350.3 (MANE Select); coding-DNA positions 1874 to 1912, 39 bases deleted.
Protein change: p.Gln625_Met637del.
Molecular consequence: inframe deletion. On other transcripts: inframe indel (1).
Genome position (GRCh38, 1-based): chr1:94,062,602-94,062,640, 39 bases deleted; deleting any 39 consecutive bases within chr1:94,062,602-94,062,643 gives the same sequence; the c. name uses the placement nearest the transcript's 3' end. GRCh37 (hg19): chr1:94,528,161-94,528,199.
Other names: c.1871_1909del39, p.Gln625_Met637del (NM_001425324.1).
Identifiers: ClinVar variation 1913450 (VCV001913450.6), dbSNP rs2523841187, ClinGen allele CA2580063558.